The following is an entry in ClinVar:

ClinVar aggregate classification (germline): Uncertain significance (1 of 4 stars; one submission).

Conditions:
Hypertrophic cardiomyopathy 19. Also called: Familial hypertrophic cardiomyopathy 19. Identifiers: MedGen CN077603, MONDO:0013476.

Submission:

Labcorp Genetics (formerly Invitae), Labcorp
Classification: Uncertain significance for Hypertrophic cardiomyopathy 19. Last evaluated: 2023-04-28. Review status: criteria provided, single submitter. Criteria: Invitae Variant Classification Sherloc (09022015). Collection method: clinical testing. Allele origin: germline.
Comment: This sequence change replaces glutamine, which is neutral and polar, with lysine, which is basic and polar, at codon 306 of the CALR3 protein (p.Gln306Lys). This variant is not present in population databases (gnomAD no frequency). This variant has not been reported in the literature in individuals affected with CALR3-related conditions. ClinVar contains an entry for this variant (Variation ID: 651507). An algorithm developed to predict the effect of missense changes on protein structure and function (PolyPhen-2) suggests that this variant is likely to be disruptive. In summary, the available evidence is currently insufficient to determine the role of this variant in disease. Therefore, it has been classified as a Variant of Uncertain Significance.

NM_145046.5(CALR3):c.916C>A (p.Gln306Lys)

Gene: CALR3 (calreticulin 3; minus strand). Cytogenetic location: 19p13.11.
Variant type: single nucleotide variant.
Coding change: c.916C>A on transcript NM_145046.5 (MANE Select); coding-DNA position 916, C replaced by A.
Protein change: p.Gln306Lys; replaces glutamine 306 with lysine.
Molecular consequence: missense variant.
Genome position (GRCh38, 1-based): chr19:16,482,452, G>T on the plus strand (C>A on the coding strand, the complement: CALR3 is on the minus strand). VCF-style: chr19-16482452-G-T. GRCh37 (hg19) VCF-style: chr19-16593263-G-T.
Other names: short protein forms Q306K.
Identifiers: ClinVar variation 651507 (VCV000651507.9), dbSNP rs1599717443, ClinGen allele CA404607610.